The following is an entry in ClinVar:

NM_001048174.2(MUTYH):c.819del (p.Val274fs)

Gene: MUTYH (mutY DNA glycosylase; minus strand). Cytogenetic location: 1p34.1.
Variant type: Deletion.
Coding change: c.819del on transcript NM_001048174.2 (MANE Select); coding-DNA position 819, one base deleted (T; older notation c.819delT).
Protein change: p.Val274fs; shifts the reading frame from valine 274.
Molecular consequence: frameshift variant. On other transcripts: non-coding transcript variant (7).
Genome position (GRCh38, 1-based): chr1:45,332,196, A deleted on the plus strand (T on the coding strand, the reverse complement: MUTYH is on the minus strand). VCF-style (leftmost placement, unchanged base first): chr1-45332195-CA-C. GRCh37 (hg19) VCF-style: chr1-45797867-CA-C.
Other names: c.819del, p.Val274fs (NM_001048171.2, NM_001048173.2, NM_001407088.1 and 6 more transcripts); c.822del, p.Val275fs (NM_001048172.2, NM_001407086.1, NM_001407071.1 and 1 more transcripts); c.840del, p.Val281fs (NM_001407087.1); c.543del, p.Val182fs (NM_001407091.1, NM_001293192.2, NM_001293196.2); c.894del, p.Val299fs (NM_012222.3); c.903del, p.Val302fs (NM_001128425.2); c.864del, p.Val289fs (NM_001293190.2); c.852del, p.Val285fs (NM_001293191.2, NM_001407069.1, NM_001407077.1); and 5 more; short protein forms V159fs, V182fs, V246fs, V260fs, V261fs, V274fs, V275fs, V281fs.
Identifiers: ClinVar variation 3074278 (VCV003074278.1), dbSNP rs2524072936, ClinGen allele CA2825000963.

ClinVar aggregate classification (germline): Pathogenic (1 of 4 stars; one submission).

Conditions:
Familial adenomatous polyposis 2. Also called: COLORECTAL ADENOMATOUS POLYPOSIS, AUTOSOMAL RECESSIVE; ADENOMAS, MULTIPLE COLORECTAL, AUTOSOMAL RECESSIVE; MYH-associated polyposis; MUTYH-associated polyposis; MUTYH-related attenuated familial adenomatous polyposis; MUTYH Polyposis. Identifiers: Orphanet 220460, Orphanet 247798, MedGen C3272841, MONDO:0012041, OMIM 608456.

Submission:

All of Us Research Program, National Institutes of Health
Classification: Pathogenic for Familial adenomatous polyposis 2. Last evaluated: 2023-11-02. Review status: criteria provided, single submitter. Criteria: ACMG Guidelines, 2015. Collection method: clinical testing. Allele origin: germline. Inheritance: Autosomal recessive inheritance. Observed: 1 variant allele, 1 heterozygote.
Comment: This variant deletes 1 nucleotide in exon 10/16 of the MUTYH gene, creating a frameshift and premature translation stop signal. This variant is expected to result in an absent or non-functional protein product. To our knowledge, this variant has not been reported in individuals affected with MUTYH-related disorders in the literature. This variant has not been identified in the general population by the Genome Aggregation Database (gnomAD). Loss of MUTYH function is a known mechanism of disease. Based on the available evidence, this variant is classified as Pathogenic.

This study involves interpretation of variants in research participants for the purpose of population health screening. Participant phenotype was not available at the time of variant classification. Additional details can be found in publication PMID: 35346344, PMCID: PMC8962531